The following is an entry in ClinVar:

NM_001127208.3(TET2):c.4766A>G (p.Tyr1589Cys)

Genes: TET2 (tet methylcytosine dioxygenase 2; plus strand), TET2-AS1 (TET2 antisense RNA 1; minus strand). Cytogenetic location: 4q24.
Variant type: single nucleotide variant.
Coding change: c.4766A>G on transcript NM_001127208.3 (MANE Select); coding-DNA position 4766, A replaced by G.
Protein change: p.Tyr1589Cys; replaces tyrosine 1589 with cysteine.
Molecular consequence: missense variant.
Genome position (GRCh38, 1-based): chr4:105,275,276, A>G. VCF-style: chr4-105275276-A-G. GRCh37 (hg19) VCF-style: chr4-106196433-A-G.
Other names: short protein forms Y1589C.
Identifiers: ClinVar variation 2862484 (VCV002862484.1), dbSNP rs368705448, ClinGen allele CA102780341.
Genomic context (GRCh38, chr4:105,275,276, plus strand): 5'-ACATGAGACGGCCCAATCCAGTTAGTCCTTATCCAAACTCTTCACACACTTCAGATATCT[A>G]TGGAAGCACCAGCCCTATGAACTTCTATTCCACCTCATCTCAAGCTGCAGGTTCATATTT-3'
Protein context (NP_001120680.1, residues 1579-1599): YPNSSHTSDI[Tyr1589Cys]GSTSPMNFYS

ClinVar aggregate classification (germline): Uncertain significance (1 of 4 stars; one submission).

Allele frequency attached by ClinVar (database versions not stated): gnomAD exomes 0.00002; gnomAD 0.00011; TOPMed 0.00014; ESP Exome Variant Server 0.00022.
gnomAD v4.1: 40 of 1,552,174 alleles (0.0026%); highest among the groups gnomAD compares: African/African-American, 0.042%; no homozygotes.

Submission:

Labcorp Genetics (formerly Invitae), Labcorp
Classification: Uncertain significance. Last evaluated: 2023-06-09. Review status: criteria provided, single submitter. Criteria: Invitae Variant Classification Sherloc (09022015). Collection method: clinical testing. Allele origin: germline.
Comment: In summary, the available evidence is currently insufficient to determine the role of this variant in disease. Therefore, it has been classified as a Variant of Uncertain Significance. An algorithm developed to predict the effect of missense changes on protein structure and function (PolyPhen-2) suggests that this variant is likely to be disruptive. This variant has not been reported in the literature in individuals affected with TET2-related conditions. This variant is present in population databases (rs368705448, gnomAD 0.02%). This sequence change replaces tyrosine, which is neutral and polar, with cysteine, which is neutral and slightly polar, at codon 1589 of the TET2 protein (p.Tyr1589Cys).